The following is an entry in ClinVar:

NM_001039591.3(USP9X):c.3299T>C (p.Met1100Thr)

Gene: USP9X (ubiquitin specific peptidase 9 X-linked; plus strand). Cytogenetic location: Xp11.4.
Variant type: single nucleotide variant.
Coding change: c.3299T>C on transcript NM_001039591.3 (MANE Select); coding-DNA position 3299, T replaced by C.
Protein change: p.Met1100Thr; replaces methionine 1100 with threonine.
Molecular consequence: missense variant.
Genome position (GRCh38, 1-based): chrX:41,184,416, T>C. VCF-style: chrX-41184416-T-C. GRCh37 (hg19) VCF-style: chrX-41043669-T-C.
Other names: c.3299T>C, p.Met1100Thr (NM_001039590.3); c.3314T>C, p.Met1105Thr (NM_001410748.1, NM_001410749.1); short protein forms M1105T, M1100T.
Identifiers: ClinVar variation 3572759 (VCV003572759.1).

ClinVar aggregate classification (germline): Uncertain significance (1 of 4 stars; one submission).

Submission:

GeneDx
Classification: Uncertain significance. Last evaluated: 2024-07-11. Review status: criteria provided, single submitter. Criteria: GeneDx Variant Classification Process June 2021. Collection method: clinical testing. Allele origin: germline. Affected: yes.
Comment: Not observed at significant frequency in large population cohorts (gnomAD); In silico analysis supports that this missense variant has a deleterious effect on protein structure/function; Has not been previously published as pathogenic or benign to our knowledge